The following is an entry in ClinVar:

NM_032608.7(MYO18B):c.372T>C (p.Asn124=)

Gene: MYO18B (myosin XVIIIB; plus strand). Cytogenetic location: 22q12.1.
Variant type: single nucleotide variant.
Coding change: c.372T>C on transcript NM_032608.7 (MANE Select); coding-DNA position 372, T replaced by C.
Protein change: p.Asn124=; no amino-acid change (asparagine 124 retained).
Molecular consequence: synonymous variant.
Genome position (GRCh38, 1-based): chr22:25,768,288, T>C. VCF-style: chr22-25768288-T-C. GRCh37 (hg19) VCF-style: chr22-26164255-T-C.
Other names: c.372T>C, p.Asn124= (NM_001318245.2).
Identifiers: ClinVar variation 789361 (VCV000789361.34), dbSNP rs41281571, ClinGen allele CA10159564.

ClinVar aggregate classification (germline): Benign/Likely benign. Review status: criteria provided, multiple submitters, no conflicts (2 of 4 stars). 4 submissions from 4 submitters: Benign (2); Likely benign (1). 1 of the submissions does not count toward it. Last evaluated 2026-09-01.

Conditions:
MYO18B-related disorder. Also called: MYO18B-related condition.

Allele frequency attached by ClinVar (database versions not stated): 1000 Genomes Project 0.00359; 1000 Genomes Project 30x 0.00375; gnomAD 0.00481 and 0.00508; TOPMed 0.00538; ESP Exome Variant Server 0.00593.
gnomAD v4.1: 11,863 of 1,613,828 alleles (0.74%); highest among the groups gnomAD compares: Non-Finnish European, 0.9%; 69 homozygotes.

Submissions (4):

CeGaT Center for Human Genetics Tuebingen
Classification: Likely benign. Last evaluated: 2026-09-01. Review status: criteria provided, single submitter. Criteria: CeGaT Center For Human Genetics Tuebingen Variant Classification Criteria Version 2. Collection method: clinical testing. Allele origin: germline. Affected: yes. Observed: 13 variant alleles.
Comment: MYO18B: BP4, BP7, BS2

Labcorp Genetics (formerly Invitae), Labcorp
Classification: Benign. Last evaluated: 2026-02-01. Review status: criteria provided, single submitter. Criteria: Invitae Variant Classification Sherloc (09022015). Collection method: clinical testing. Allele origin: germline.

Breakthrough Genomics
Classification: Benign. Review status: criteria provided, single submitter. Criteria: ACMG Guidelines, 2015. Collection method: not provided. Allele origin: germline. Inheritance: Autosomal recessive inheritance. Affected: yes.

PreventionGenetics, part of Exact Sciences
Classification: Benign for MYO18B-related condition. Last evaluated: 2019-03-13. Review status: no assertion criteria provided. Collection method: clinical testing. Allele origin: germline. Not counted in ClinVar's aggregate classification.
Comment: This variant is classified as benign based on ACMG/AMP sequence variant interpretation guidelines (Richards et al. 2015 PMID: 25741868, with internal and published modifications).